The following is an entry in ClinVar:

NM_001377229.1(DISP1):c.943A>G (p.Asn315Asp)

Gene: DISP1 (dispatched RND transporter family member 1; plus strand). Cytogenetic location: 1q41.
Variant type: single nucleotide variant.
Coding change: c.943A>G on transcript NM_001377229.1 (MANE Select); coding-DNA position 943, A replaced by G.
Protein change: p.Asn315Asp; replaces asparagine 315 with aspartic acid.
Molecular consequence: missense variant.
Genome position (GRCh38, 1-based): chr1:222,994,938, A>G. VCF-style: chr1-222994938-A-G. GRCh37 (hg19) VCF-style: chr1-223168280-A-G.
Other names: c.214A>G, p.Asn72Asp (NM_001350630.2); c.943A>G, p.Asn315Asp (NM_001369594.1, NM_001377228.1, NM_032890.5); short protein forms N315D, N72D.
Identifiers: ClinVar variation 1314032 (VCV001314032.2), dbSNP rs2102760439, ClinGen allele CA344677775.
Genomic context (GRCh38, chr1:222,994,938, plus strand): 5'-TCACCAGGTGACCGATATTCCAGAGTGGTATTTACTTCATCTGGAGGGGAGACATTATGG[A>G]ATTTACCTGCAATTAAATCAATGTGCAATGTAGATAATTCCAGGGTATGTAAGATAAAAA-3'
Protein context (NP_001364158.1, residues 305-325): FTSSGGETLW[Asn315Asp]LPAIKSMCNV

ClinVar aggregate classification (germline): Uncertain significance (1 of 4 stars; one submission).

Submission:

GeneDx
Classification: Uncertain significance. Last evaluated: 2021-01-13. Review status: criteria provided, single submitter. Criteria: GeneDx Variant Classification Process June 2021. Collection method: clinical testing. Allele origin: germline. Affected: yes.
Comment: Not observed in large population cohorts (Lek et al., 2016); In silico analysis supports that this missense variant does not alter protein structure/function; Has not been previously published as pathogenic or benign to our knowledge